The following is an entry in ClinVar:

NM_002109.6(HARS1):c.31G>T (p.Val11Leu)

Genes: HARS1 (histidyl-tRNA synthetase 1; minus strand), LOC129994848 (ATAC-STARR-seq lymphoblastoid active region 23285; plus strand). Cytogenetic location: 5q31.3.
Variant type: single nucleotide variant.
Coding change: c.31G>T on transcript NM_002109.6 (MANE Select); coding-DNA position 31, G replaced by T.
Protein change: p.Val11Leu; replaces valine 11 with leucine.
Molecular consequence: missense variant. On other transcripts: intron variant (1).
Genome position (GRCh38, 1-based): chr5:140,691,274, C>A on the plus strand (G>T on the coding strand, the complement: HARS1 is on the minus strand). VCF-style: chr5-140691274-C-A. GRCh37 (hg19) VCF-style: chr5-140070859-C-A.
Other names: c.31G>T, p.Val11Leu (NM_001258040.3, NM_001258041.3, NM_001258042.3 and 2 more transcripts); c.3+28G>T (NM_001289094.2); short protein forms V11L.
Identifiers: ClinVar variation 3682040 (VCV003682040.2).

ClinVar aggregate classification (germline): Uncertain significance (1 of 4 stars; one submission).

Conditions:
Usher syndrome type 3B. Also called: USHER SYNDROME, TYPE IIIB. Identifiers: MedGen C3281066, MONDO:0013788, OMIM 614504.

Submission:

Labcorp Genetics (formerly Invitae), Labcorp
Classification: Uncertain significance for Usher syndrome type 3B. Last evaluated: 2024-08-20. Review status: criteria provided, single submitter. Criteria: Invitae Variant Classification Sherloc (09022015). Collection method: clinical testing. Allele origin: germline.
Comment: This sequence change replaces valine, which is neutral and non-polar, with leucine, which is neutral and non-polar, at codon 11 of the HARS protein (p.Val11Leu). This variant is not present in population databases (gnomAD no frequency). This variant has not been reported in the literature in individuals affected with HARS-related conditions. An algorithm developed to predict the effect of missense changes on protein structure and function (PolyPhen-2) suggests that this variant is likely to be tolerated. In summary, the available evidence is currently insufficient to determine the role of this variant in disease. Therefore, it has been classified as a Variant of Uncertain Significance.